The following is an entry in ClinVar:

ClinVar aggregate classification (germline): Uncertain significance (1 of 4 stars; one submission).

Allele frequency attached by ClinVar (database versions not stated): gnomAD exomes below 0.00001.
gnomAD v4.1: 1 of 1,604,562 alleles (0.000062%); highest among the groups gnomAD compares: Non-Finnish European, 0.000085%; no homozygotes.

Submission:

Ambry Genetics
Classification: Uncertain significance. Last evaluated: 2023-06-22. Review status: criteria provided, single submitter. Criteria: Ambry Variant Classification Scheme 2023. Collection method: clinical testing. Allele origin: germline.
Comment: The p.G120R variant (also known as c.358G>A), located in coding exon 3 of the POLQ gene, results from a G to A substitution at nucleotide position 358. The glycine at codon 120 is replaced by arginine, an amino acid with dissimilar properties. This amino acid position is conserved. In addition, this alteration is predicted to be deleterious by in silico analysis. Since supporting evidence is limited at this time, the clinical significance of this alteration remains unclear.

NM_199420.4(POLQ):c.358G>A (p.Gly120Arg)

Gene: POLQ (DNA polymerase theta; minus strand). Cytogenetic location: 3q13.33.
Variant type: single nucleotide variant.
Coding change: c.358G>A on transcript NM_199420.4 (MANE Select); coding-DNA position 358, G replaced by A.
Protein change: p.Gly120Arg; replaces glycine 120 with arginine.
Molecular consequence: missense variant.
Genome position (GRCh38, 1-based): chr3:121,541,465, C>T on the plus strand (G>A on the coding strand, the complement: POLQ is on the minus strand). VCF-style: chr3-121541465-C-T. GRCh37 (hg19) VCF-style: chr3-121260312-C-T.
Other names: short protein forms G120R.
Identifiers: ClinVar variation 2625805 (VCV002625805.2), dbSNP rs2546825947, ClinGen allele CA354093485.